The following is an entry in ClinVar:

ClinVar aggregate classification (germline): Pathogenic. Review status: criteria provided, single submitter (1 of 4 stars). 2 submissions from 2 submitters: Pathogenic (1). 1 of the submissions does not count toward it. Last evaluated 2014-02-15.

Conditions:
TNNI3-related disorder. Also called: TNNI3-related condition; TNNI3-related disorders.

Submissions (2):

GeneDx
Classification: Pathogenic. Last evaluated: 2014-02-15. Review status: criteria provided, single submitter. Criteria: GeneDx Variant Classification (06012015). Collection method: clinical testing. Allele origin: germline. Affected: yes.
Comment: The K183T mutation in the TNNI3 gene has not been published as a mutation or as a benign polymorphism to our knowledge. K183T results in a semi-conservative amino acid substitution of a positively charged Lysine with a neutral Threonine at a position that is conserved across species. Other mutations at this residue (K183N, K183E) and in nearby residues (D180G, E182K, E184K, N185K) have been reported in association with cardiomyopathy, supporting the functional importance of this residue and this region of the protein. Furthermore, the K183T mutation was not observed inapproximately 6,200 individuals of European and African American ancestry in the NHLBI Exome Sequencing Project, indicating it is not a common benign variant in these populations. In silico algorithms are not consistent in their predictions but at least two concur that K183T is damaging to the protein structure/function. In summary, K183T in the TNNI3 gene is interpreted as a disease-causing mutation. The variant is found in HCM panel(s).

PreventionGenetics, part of Exact Sciences
Classification: Uncertain significance for TNNI3-related condition. Last evaluated: 2023-12-09. Review status: no assertion criteria provided. Collection method: clinical testing. Allele origin: germline. Not counted in ClinVar's aggregate classification.
Comment: The TNNI3 c.548A>C variant is predicted to result in the amino acid substitution p.Lys183Thr. To our knowledge, this variant has not been reported in the literature or in a large population database, indicating this variant is rare. Other missense variants impacting the same amino acid residue (p.Lys183Glu, p.Lys183Asn) have been reported in individuals with hypertrophic cardiomyopathy (Table 2, Mogensen et al. 2004. PubMed ID: 15607392; Table S1A, Walsh et al. 2017. PubMed ID: 27532257; Table 3, Millat. 2010. PubMed ID: 20624503). Although we suspect that this variant may be pathogenic, at this time, the clinical significance of this variant is uncertain due to the absence of conclusive functional and genetic evidence.

NM_000363.5(TNNI3):c.548A>C (p.Lys183Thr)

Gene: TNNI3 (troponin I3, cardiac type; minus strand). Cytogenetic location: 19q13.42.
Variant type: single nucleotide variant.
Coding change: c.548A>C on transcript NM_000363.5 (MANE Select); coding-DNA position 548, A replaced by C.
Protein change: p.Lys183Thr; replaces lysine 183 with threonine.
Molecular consequence: missense variant.
Genome position (GRCh38, 1-based): chr19:55,154,031, T>G on the plus strand (A>C on the coding strand, the complement: TNNI3 is on the minus strand). VCF-style: chr19-55154031-T-G. GRCh37 (hg19) VCF-style: chr19-55665399-T-G.
Other names: p.K183T:AAG>ACG; c.548A>C (LRG_432t1); short protein forms K183T.
Identifiers: ClinVar variation 181587 (VCV000181587.4), dbSNP rs730881078, ClinGen allele CA021859.